The following is an entry in ClinVar:

ClinVar aggregate classification (germline): Likely pathogenic. Review status: criteria provided, multiple submitters, no conflicts (2 of 4 stars). 2 submissions from 2 submitters: Likely pathogenic (2). Last evaluated 2023-01-24.

Conditions:
Focal segmental glomerulosclerosis 7 (FSGS7). Identifiers: Orphanet 656, MedGen C4014925, MONDO:0014451, OMIM 616002.

Submissions (2):

Broad Center for Mendelian Genomics, Broad Institute of MIT and Harvard
Classification: Likely pathogenic for Focal segmental glomerulosclerosis 7. Last evaluated: 2023-01-24. Review status: criteria provided, single submitter. Criteria: ACMG Guidelines, 2015. Collection method: curation. Allele origin: germline. Inheritance: Autosomal dominant inheritance.
Comment: The p.Pro290fsLeufsTer16 variant in PAX2 has not been previously reported in individuals with focal segmental glomerulosclerosis 7. This variant was absent from large population studies. This variant is predicted to cause a frameshift, which alters the protein‚Äôs amino acid sequence beginning at position 290 and leads to a premature termination codon 16 amino acids downstream. This alteration is then predicted to lead to a truncated or absent protein. Heterozygous loss of function of the PAX2 gene is an established disease mechanism in autosomal dominant focal segmental glomerulosclerosis 7. In summary, although additional studies are required to fully establish its clinical significance, this variant is likely pathogenic for focal segmental glomerulosclerosis 7. ACMG/AMP Criteria applied: PVS1, PM2_Supporting (Richards 2015).

3billion
Classification: Likely pathogenic for Focal segmental glomerulosclerosis 7. Last evaluated: 2022-05-22. Review status: criteria provided, single submitter. Criteria: ACMG Guidelines, 2015. Collection method: clinical testing. Allele origin: germline. Affected: yes. Observed: 1 heterozygote.
Comment: The variant is not observed in the gnomAD v2.1.1 dataset. Frameshift: predicted to result in a loss or disruption of normal protein function through nonsense-mediated decay (NMD) or protein truncation. Multiple pathogenic variants are reported downstream of the variant. Therefore, this variant is classified as likely pathogenic according to the recommendation of ACMG/AMP guideline.

NM_000278.5(PAX2):c.869del (p.Pro290fs)

Gene: PAX2 (paired box 2; plus strand). Cytogenetic location: 10q24.31.
Variant type: Deletion.
Coding change: c.869del on transcript NM_000278.5 (MANE Select); coding-DNA position 869, one base deleted (C; older notation c.869delC).
Protein change: p.Pro290fs; shifts the reading frame from proline 290.
Molecular consequence: frameshift variant.
Genome position (GRCh38, 1-based): chr10:100,809,186, C deleted; the last of 3 consecutive C bases (chr10:100,809,184-100,809,186); deleting any one gives the same sequence. VCF-style (leftmost placement, unchanged base first): chr10-100809183-AC-A. GRCh37 (hg19) VCF-style: chr10-102568940-AC-A.
Other names: NM_000278.5(PAX2):c.869del; p.Pro290fs; c.962del, p.Pro321fs (NM_001304569.2); c.938del, p.Pro313fs (NM_003987.5, NM_003990.5); c.869del, p.Pro290fs (NM_003988.5, NM_003989.5); short protein forms P290fs, P313fs, P321fs.
Identifiers: ClinVar variation 1687520 (VCV001687520.3), dbSNP rs2133956351, ClinGen allele CA2573145451.